The following is an entry in ClinVar:

ClinVar aggregate classification (germline): Uncertain significance (1 of 4 stars; one submission).

Conditions:
Joubert syndrome. Also called: CEREBELLOPARENCHYMAL DISORDER IV; JOUBERT-BOLTSHAUSER SYNDROME; Familial aplasia of the vermis. Identifiers: Orphanet 475, MedGen C5979921, MONDO:0018772.

Submission:

Labcorp Genetics (formerly Invitae), Labcorp
Classification: Uncertain significance for Joubert syndrome. Last evaluated: 2022-03-19. Review status: criteria provided, single submitter. Criteria: Invitae Variant Classification Sherloc (09022015). Collection method: clinical testing. Allele origin: germline.
Comment: This sequence change replaces arginine, which is basic and polar, with tryptophan, which is neutral and slightly polar, at codon 238 of the INPP5E protein (p.Arg238Trp). This variant is not present in population databases (gnomAD no frequency). In summary, the available evidence is currently insufficient to determine the role of this variant in disease. Therefore, it has been classified as a Variant of Uncertain Significance. Advanced modeling of protein sequence and biophysical properties (such as structural, functional, and spatial information, amino acid conservation, physicochemical variation, residue mobility, and thermodynamic stability) performed at Invitae indicates that this missense variant is not expected to disrupt INPP5E protein function. This variant has not been reported in the literature in individuals affected with INPP5E-related conditions.

NM_019892.6(INPP5E):c.712C>T (p.Arg238Trp)

Gene: INPP5E (inositol polyphosphate-5-phosphatase E; minus strand). Cytogenetic location: 9q34.3.
Variant type: single nucleotide variant.
Coding change: c.712C>T on transcript NM_019892.6 (MANE Select); coding-DNA position 712, C replaced by T.
Protein change: p.Arg238Trp; replaces arginine 238 with tryptophan.
Molecular consequence: missense variant.
Genome position (GRCh38, 1-based): chr9:136,438,708, G>A on the plus strand (C>T on the coding strand, the complement: INPP5E is on the minus strand). VCF-style: chr9-136438708-G-A. GRCh37 (hg19) VCF-style: chr9-139333160-G-A.
Other names: c.712C>T, p.Arg238Trp (NM_001318502.2); short protein forms R238W.
Identifiers: ClinVar variation 2416595 (VCV002416595.8), dbSNP rs2538892104, ClinGen allele CA375567881.
Genomic context (GRCh38, chr9:136,438,708, plus strand): 5'-TGAAGGAGGATTTGGCCGAGCGAAGGGAACAGTCGTCGCAGGCCAGGGGGCTCCGCGGCC[G>A]GCCGGGGCCCAGGCTGCTGTGGGCCCGCACCAGGAGCGGCTGCGCGCGGAGCTTGTAGTC-3'
Protein context (NP_063945.2, residues 228-248): VRAHSSLGPG[Arg238Trp]PRSPLACDDC